The following is an entry in ClinVar:

ClinVar aggregate classification (germline): Uncertain significance (1 of 4 stars; one submission).

Allele frequency attached by ClinVar (database versions not stated): gnomAD 0.00001; gnomAD exomes 0.00001; ExAC 0.00003; TOPMed 0.00003; ESP Exome Variant Server 0.00008.

Submission:

Labcorp Genetics (formerly Invitae), Labcorp
Classification: Uncertain significance. Last evaluated: 2021-11-29. Review status: criteria provided, single submitter. Criteria: Invitae Variant Classification Sherloc (09022015). Collection method: clinical testing. Allele origin: germline.
Comment: This sequence change replaces methionine, which is neutral and non-polar, with isoleucine, which is neutral and non-polar, at codon 326 of the NSUN3 protein (p.Met326Ile). This variant is present in population databases (rs374944456, gnomAD 0.009%). This variant has not been reported in the literature in individuals affected with NSUN3-related conditions. Algorithms developed to predict the effect of missense changes on protein structure and function are either unavailable or do not agree on the potential impact of this missense change (SIFT: "Deleterious"; PolyPhen-2: "Probably Damaging"; Align-GVGD: "Class C0"). In summary, the available evidence is currently insufficient to determine the role of this variant in disease. Therefore, it has been classified as a Variant of Uncertain Significance.

NM_022072.5(NSUN3):c.978G>A (p.Met326Ile)

Gene: NSUN3 (NOP2/Sun RNA methyltransferase 3; plus strand). Cytogenetic location: 3q11.2.
Variant type: single nucleotide variant.
Coding change: c.978G>A on transcript NM_022072.5 (MANE Select); coding-DNA position 978, G replaced by A.
Protein change: p.Met326Ile; replaces methionine 326 with isoleucine.
Molecular consequence: missense variant.
Genome position (GRCh38, 1-based): chr3:94,126,445, G>A. VCF-style: chr3-94126445-G-A. GRCh37 (hg19) VCF-style: chr3-93845289-G-A.
Other names: short protein forms M326I.
Identifiers: ClinVar variation 2149631 (VCV002149631.4), dbSNP rs374944456, ClinGen allele CA2504824.